The following is an entry in ClinVar:

ClinVar aggregate classification (germline): Conflicting classifications of pathogenicity. Review status: criteria provided, conflicting classifications (1 of 4 stars). 12 submissions from 12 submitters: Uncertain significance (1); Benign (1); Likely benign (9). 1 of the submissions does not count toward it. Last evaluated 2026-01-19.

Conditions:
Hereditary cancer-predisposing syndrome. Also called: Hereditary Cancer Syndrome; Hereditary neoplastic syndrome; Neoplastic Syndromes, Hereditary; Tumor predisposition. Identifiers: Orphanet 140162, MedGen C0027672, MeSH D009386, MONDO:0015356.
Classic or attenuated familial adenomatous polyposis. Identifiers: MedGen CN372698, MONDO:0021057.
Familial adenomatous polyposis 1 (FAP1). Also called: FAMILIAL ADENOMATOUS POLYPOSIS 1, ATTENUATED; POLYPOSIS, ADENOMATOUS INTESTINAL. Identifiers: MedGen C2713442, MONDO:0021056, OMIM 175100. Disease mechanism: loss of function.

Allele frequency attached by ClinVar (database versions not stated): gnomAD exomes 0.00001 and 0.00002; TOPMed 0.00001; ExAC 0.00002; gnomAD 0.00002; ESP Exome Variant Server 0.00008.
gnomAD v4.1: 21 of 1,613,962 alleles (0.0013%); highest among the groups gnomAD compares: African/African-American, 0.0027%; no homozygotes.

Submissions (12):

Labcorp Genetics (formerly Invitae), Labcorp
Classification: Likely benign for Familial adenomatous polyposis 1. Last evaluated: 2026-01-19. Review status: criteria provided, single submitter. Criteria: Invitae Variant Classification Sherloc (09022015). Collection method: clinical testing. Allele origin: germline.

Center for Genomic Medicine, Rigshospitalet, Copenhagen University Hospital
Classification: Likely benign. Last evaluated: 2025-03-04. Review status: criteria provided, single submitter. Criteria: ACMG Guidelines, 2015. Collection method: clinical testing. Allele origin: germline.

Quest Diagnostics Nichols Institute San Juan Capistrano
Classification: Uncertain significance. Last evaluated: 2024-12-06. Review status: criteria provided, single submitter. Criteria: Quest Diagnostics criteria. Collection method: clinical testing. Allele origin: unknown.
Comment: The APC c.8199A>G (p.Gln2733=) synonymous variant has not been reported in individuals with APC-related conditions in the published literature. The frequency of this variant in the general population (Genome Aggregation Database) is uninformative in the assessment of its pathogenicity. Analysis of this variant using software algorithms for the prediction of the effect of nucleotide changes on splicing yielded predictions that this variant does not affect APC mRNA splicing. Based on the available information, we are unable to determine the clinical significance of this variant.

Institute for Biomarker Research, Medical Diagnostic Laboratories, L.L.C.
Classification: Likely benign for Hereditary cancer-predisposing syndrome. Last evaluated: 2024-05-22. Review status: criteria provided, single submitter. Criteria: ACMG Guidelines, 2015. Collection method: clinical testing. Allele origin: germline.

Myriad Genetics, Inc.
Classification: Benign for Familial adenomatous polyposis 1. Last evaluated: 2024-04-12. Review status: criteria provided, single submitter. Criteria: Myriad Autosomal Dominant, Autosomal Recessive and X-Linked Classification Criteria (2023). Collection method: clinical testing. Allele origin: unknown.
Comment: This variant is considered benign. This variant is a silent/synonymous amino acid change and it is not expected to impact splicing.

All of Us Research Program, National Institutes of Health
Classification: Likely benign for Classic or attenuated familial adenomatous polyposis. Last evaluated: 2023-12-01. Review status: criteria provided, single submitter. Criteria: ACMG Guidelines, 2015. Collection method: clinical testing. Allele origin: germline. Inheritance: Autosomal dominant inheritance. Observed: 8 variant alleles, 8 heterozygotes.
Comment: This study involves interpretation of variants in research participants for the purpose of population health screening. Participant phenotype was not available at the time of variant classification. Additional details can be found in publication PMID: 35346344, PMCID: PMC8962531

Sema4
Classification: Likely benign for Hereditary cancer-predisposing syndrome. Last evaluated: 2021-11-15. Review status: criteria provided, single submitter. Criteria: Sema4 Curation Guidelines. Collection method: curation. Allele origin: germline.

Women's Health and Genetics/Laboratory Corporation of America, LabCorp
Classification: Likely benign. Last evaluated: 2021-01-29. Review status: criteria provided, single submitter. Criteria: LabCorp Variant Classification Summary - May 2015. Collection method: clinical testing. Allele origin: germline.

Color Diagnostics, LLC DBA Color Health
Classification: Likely benign for Hereditary cancer-predisposing syndrome. Last evaluated: 2017-09-05. Review status: criteria provided, single submitter. Criteria: ACMG Guidelines, 2015. Collection method: clinical testing. Allele origin: germline.

GeneDx
Classification: Likely benign. Last evaluated: 2016-01-18. Review status: criteria provided, single submitter. Criteria: GeneDx Variant Classification (06012015). Collection method: clinical testing. Allele origin: germline. Affected: yes.
Comment: This variant is considered likely benign or benign based on one or more of the following criteria: it is a conservative change, it occurs at a poorly conserved position in the protein, it is predicted to be benign by multiple in silico algorithms, and/or has population frequency not consistent with disease.

Ambry Genetics
Classification: Likely benign for Hereditary cancer-predisposing syndrome. Last evaluated: 2015-04-09. Review status: criteria provided, single submitter. Criteria: Ambry Variant Classification Scheme 2023. Collection method: clinical testing. Allele origin: germline.

Mayo Clinic Laboratories, Mayo Clinic
Classification: Uncertain significance. Review status: no assertion criteria provided. Collection method: clinical testing. Allele origin: unknown. Not counted in ClinVar's aggregate classification.

NM_000038.6(APC):c.8199A>G (p.Gln2733=)

Gene: APC (APC regulator of Wnt signaling pathway; plus strand). Cytogenetic location: 5q22.2.
Variant type: single nucleotide variant.
Coding change: c.8199A>G on transcript NM_000038.6 (MANE Select); coding-DNA position 8199, A replaced by G.
Protein change: p.Gln2733=; no amino-acid change (glutamine 2733 retained).
Molecular consequence: synonymous variant.
Genome position (GRCh38, 1-based): chr5:112,843,793, A>G. VCF-style: chr5-112843793-A-G. GRCh37 (hg19) VCF-style: chr5-112179490-A-G.
Other names: c.7719A>G, p.Gln2573= (NM_001354905.2); c.7350A>G, p.Gln2450= (NM_001354906.2); c.8199A>G, p.Gln2733= (NM_001127510.3, NM_001354895.2); c.8145A>G, p.Gln2715= (NM_001127511.3); c.8253A>G, p.Gln2751= (NM_001354896.2); c.8229A>G, p.Gln2743= (NM_001354897.2); c.8124A>G, p.Gln2708= (NM_001354898.2); c.8115A>G, p.Gln2705= (NM_001354899.2); and 5 more.
Identifiers: ClinVar variation 383199 (VCV000383199.35), dbSNP rs372365378, ClinGen allele CA050150.
Genomic context (GRCh38, chr5:112,843,793, plus strand): 5'-GCGTACCGTGGGTTTGGAAAATCGCCTGAACTCCTTTATTCAGGTGGATGCCCCTGACCA[A>G]AAAGGAACTGAGATAAAACCAGGACAAAATAATCCTGTCCCTGTATCAGAGACTAATGAA-3'
Protein context (NP_000029.2, residues 2723-2743): NSFIQVDAPD[Gln2733=]KGTEIKPGQN